The following is an entry in ClinVar:

NM_144643.4(SCLT1):c.1617A>G (p.Lys539=)

Gene: SCLT1 (sodium channel and clathrin linker 1; minus strand). Cytogenetic location: 4q28.2.
Variant type: single nucleotide variant.
Coding change: c.1617A>G on transcript NM_144643.4 (MANE Select); coding-DNA position 1617, A replaced by G.
Protein change: p.Lys539=; no amino-acid change (lysine 539 retained).
Molecular consequence: synonymous variant. On other transcripts: intron variant (1).
Genome position (GRCh38, 1-based): chr4:128,943,011, T>C on the plus strand (A>G on the coding strand, the complement: SCLT1 is on the minus strand). VCF-style: chr4-128943011-T-C. GRCh37 (hg19) VCF-style: chr4-129864166-T-C.
Other names: c.1617A>G (NM_144643.3); c.1439+2996A>G (NM_001410807.1).
Identifiers: ClinVar variation 2000659 (VCV002000659.5), dbSNP rs2530332977, ClinGen allele CA441227726.

ClinVar aggregate classification (germline): Likely benign. Review status: criteria provided, multiple submitters, no conflicts (2 of 4 stars). 2 submissions from 2 submitters: Likely benign (2). Last evaluated 2025-04-30.

Conditions:
SCLT1-related disorder. Also called: SCLT1-related condition.

gnomAD v4.1: 1 of 1,605,482 alleles (0.000062%); no homozygotes.

Submissions (2):

PreventionGenetics, part of Exact Sciences
Classification: Likely benign for SCLT1-related condition. Last evaluated: 2025-04-30. Review status: criteria provided, single submitter. Criteria: ACMG Guidelines, 2015. Collection method: clinical testing. Allele origin: germline.
Comment: This variant is classified as likely benign based on ACMG/AMP sequence variant interpretation guidelines (Richards et al. 2015 PMID: 25741868, with internal and published modifications).

Labcorp Genetics (formerly Invitae), Labcorp
Classification: Likely benign. Last evaluated: 2022-05-29. Review status: criteria provided, single submitter. Criteria: Invitae Variant Classification Sherloc (09022015). Collection method: clinical testing. Allele origin: germline.